The following is an entry in ClinVar:

NM_001271.4(CHD2):c.670C>T (p.Arg224Ter)

Gene: CHD2 (chromodomain helicase DNA binding protein 2; plus strand). Cytogenetic location: 15q26.1.
Variant type: single nucleotide variant.
Coding change: c.670C>T on transcript NM_001271.4 (MANE Select); coding-DNA position 670, C replaced by T.
Protein change: p.Arg224Ter; replaces arginine 224 with a stop codon.
Molecular consequence: nonsense.
Genome position (GRCh38, 1-based): chr15:92,939,696, C>T. VCF-style: chr15-92939696-C-T. GRCh37 (hg19) VCF-style: chr15-93482926-C-T.
Other names: c.670C>T, p.Arg224Ter (NM_001042572.3); short protein forms R224*.
Identifiers: ClinVar variation 940436 (VCV000940436.11), dbSNP rs2053326002, ClinGen allele CA393900231.

ClinVar aggregate classification (germline): Pathogenic/Likely pathogenic. Review status: criteria provided, multiple submitters, no conflicts (2 of 4 stars). 4 submissions from 4 submitters: Pathogenic (2); Likely pathogenic (1). 1 of the submissions does not count toward it. Last evaluated 2025-01-15.

Conditions:
CHD2-related disorder. Also called: CHD2-related condition.
Developmental and epileptic encephalopathy 94 (DEE94). Also called: CHD2-Related Neurodevelopmental Disorders; Epileptic encephalopathy, childhood-onset. Identifiers: Orphanet 1942, Orphanet 2382, MedGen C3809278, MONDO:0014150, OMIM 615369.

Submissions (4):

GeneDx
Classification: Pathogenic. Last evaluated: 2025-01-15. Review status: criteria provided, single submitter. Criteria: GeneDx Variant Classification Process June 2021. Collection method: clinical testing. Allele origin: germline. Affected: yes.
Comment: Nonsense variant predicted to result in protein truncation or nonsense mediated decay in a gene for which loss of function is a known mechanism of disease; Not observed at significant frequency in large population cohorts (gnomAD); Has not been previously published as pathogenic or benign to our knowledge

Labcorp Genetics (formerly Invitae), Labcorp
Classification: Pathogenic for Developmental and epileptic encephalopathy 94. Last evaluated: 2022-06-20. Review status: criteria provided, single submitter. Criteria: Invitae Variant Classification Sherloc (09022015). Collection method: clinical testing. Allele origin: germline.
Comment: For these reasons, this variant has been classified as Pathogenic. ClinVar contains an entry for this variant (Variation ID: 940436). This variant has not been reported in the literature in individuals affected with CHD2-related conditions. This variant is not present in population databases (gnomAD no frequency). This sequence change creates a premature translational stop signal (p.Arg224*) in the CHD2 gene. It is expected to result in an absent or disrupted protein product. Loss-of-function variants in CHD2 are known to be pathogenic (PMID: 23708187, 24207121).

Blueprint Genetics
Classification: Likely pathogenic for CHD2-related disorders. Last evaluated: 2019-11-21. Review status: criteria provided, single submitter. Criteria: ACMG Guidelines, 2015. Collection method: clinical testing. Allele origin: germline. Affected: yes. Observed: 3 variant alleles.

Zotz-Klimas Genetics Lab, MVZ Zotz Klimas
Classification: Pathogenic for Developmental and epileptic encephalopathy 94. Last evaluated: 2023-11-02. Review status: no assertion criteria provided. Collection method: clinical testing. Allele origin: germline. Affected: yes. Not counted in ClinVar's aggregate classification.

Literature cited by the submitters: PubMed 23708187 (cited by Labcorp Genetics (formerly Invitae), Labcorp); PubMed 24207121 (cited by Labcorp Genetics (formerly Invitae), Labcorp).